The following is an entry in ClinVar:

NM_000891.3(KCNJ2):c.867C>T (p.Asn289=)

Gene: KCNJ2 (potassium inwardly rectifying channel subfamily J member 2; plus strand). Cytogenetic location: 17q24.3.
Variant type: single nucleotide variant.
Coding change: c.867C>T on transcript NM_000891.3 (MANE Select); coding-DNA position 867, C replaced by T.
Protein change: p.Asn289=; no amino-acid change (asparagine 289 retained).
Molecular consequence: synonymous variant.
Genome position (GRCh38, 1-based): chr17:70,175,906, C>T. VCF-style: chr17-70175906-C-T. GRCh37 (hg19) VCF-style: chr17-68172047-C-T.
Identifiers: ClinVar variation 378005 (VCV000378005.20), dbSNP rs201909993, ClinGen allele CA8738775.
Genomic context (GRCh38, chr17:70,175,906, plus strand): 5'-AGTCCATGAAATAGATGAAGACAGTCCTTTATATGATTTGAGTAAACAGGACATTGACAA[C>T]GCAGACTTTGAAATCGTGGTCATACTGGAAGGCATGGTGGAAGCCACTGCCATGACGACA-3'
Protein context (NP_000882.1, residues 279-299): LYDLSKQDID[Asn289=]ADFEIVVILE

ClinVar aggregate classification (germline): Conflicting classifications of pathogenicity. Review status: criteria provided, conflicting classifications (1 of 4 stars). 7 submissions from 5 submitters: Uncertain significance (1); Benign (1); Likely benign (5). Last evaluated 2025-11-19.

Conditions:
Short QT syndrome type 3. Identifiers: Orphanet 51083, MedGen C1865018, MONDO:0012314, OMIM 609622.
Andersen Tawil syndrome (LQT7). Also called: Andersen Syndrome; Potassium-sensitive periodic paralysis, ventricular ectopy, and dysmorphic features; ANDERSEN CARDIODYSRHYTHMIC PERIODIC PARALYSIS; LONG QT SYNDROME 7; PERIODIC PARALYSIS, POTASSIUM-SENSITIVE CARDIODYSRHYTHMIC TYPE. Identifiers: Orphanet 37553, MedGen C1563715, MONDO:0008222, OMIM 170390.
Atrial fibrillation, familial, 9 (ATFB9). Identifiers: MedGen C3151431, MONDO:0013513, OMIM 613980.
Cardiovascular phenotype. Identifiers: MedGen CN230736.

Allele frequency attached by ClinVar (database versions not stated): ESP Exome Variant Server 0.00008; gnomAD exomes 0.00008; gnomAD 0.00009 and 0.00010; ExAC 0.00012; TOPMed 0.00014; 1000 Genomes Project 0.00020; 1000 Genomes Project 30x 0.00031.
gnomAD v4.1: 98 of 1,614,058 alleles (0.0061%); highest among the groups gnomAD compares: African/African-American, 0.028%; no homozygotes.

Submissions (7):

Labcorp Genetics (formerly Invitae), Labcorp
Classification: Likely benign for Short QT syndrome type 3; Andersen Tawil syndrome. Last evaluated: 2025-11-19. Review status: criteria provided, single submitter. Criteria: Invitae Variant Classification Sherloc (09022015). Collection method: clinical testing. Allele origin: germline.

Blueprint Genetics
Classification: Likely benign. Last evaluated: 2023-09-12. Review status: criteria provided, single submitter. Criteria: ACMG Guidelines, 2015. Collection method: clinical testing. Allele origin: germline.

Illumina Laboratory Services, Illumina
Classification: Likely benign for Short QT syndrome type 3. Last evaluated: 2018-01-12. Review status: criteria provided, single submitter. Criteria: ICSL Variant Classification Criteria 13 December 2019. Collection method: clinical testing. Allele origin: germline.
Comment: This variant was observed in the ICSL laboratory as part of a predisposition screen in an ostensibly healthy population. It had not been previously curated by ICSL or reported in the Human Gene Mutation Database (HGMD: prior to June 1st, 2018), and was therefore a candidate for classification through an automated scoring system. Utilizing variant allele frequency, disease prevalence and penetrance estimates, and inheritance mode, an automated score was calculated to assess if this variant is too frequent to cause the disease. Based on the score and internal cut-off values, a variant classified as likely benign is not then subjected to further curation. The score for this variant resulted in a classification of likely benign for this disease.

Illumina Laboratory Services, Illumina
Classification: Likely benign for Andersen Tawil syndrome. Last evaluated: 2018-01-12. Review status: criteria provided, single submitter. Criteria: ICSL Variant Classification Criteria 13 December 2019. Collection method: clinical testing. Allele origin: germline.
Comment: the same text as in the submission from Illumina Laboratory Services, Illumina above.

Illumina Laboratory Services, Illumina
Classification: Uncertain significance for Atrial fibrillation, familial, 9. Last evaluated: 2018-01-12. Review status: criteria provided, single submitter. Criteria: ICSL Variant Classification Criteria 13 December 2019. Collection method: clinical testing. Allele origin: germline.

Ambry Genetics
Classification: Likely benign for Cardiovascular phenotype. Last evaluated: 2017-11-28. Review status: criteria provided, single submitter. Criteria: Ambry Variant Classification Scheme 2023. Collection method: clinical testing. Allele origin: germline.

GeneDx
Classification: Benign. Last evaluated: 2015-04-28. Review status: criteria provided, single submitter. Criteria: GeneDx Variant Classification (06012015). Collection method: clinical testing. Allele origin: germline. Affected: yes.
Comment: This variant is considered likely benign or benign based on one or more of the following criteria: it is a conservative change, it occurs at a poorly conserved position in the protein, it is predicted to be benign by multiple in silico algorithms, and/or has population frequency not consistent with disease.